The following is an entry in ClinVar:

NM_000548.5(TSC2):c.435C>T (p.Ala145=)

Gene: TSC2 (TSC complex subunit 2; plus strand). Cytogenetic location: 16p13.3.
Variant type: single nucleotide variant.
Coding change: c.435C>T on transcript NM_000548.5 (MANE Select); coding-DNA position 435, C replaced by T.
Protein change: p.Ala145=; no amino-acid change (alanine 145 retained).
Molecular consequence: synonymous variant. On other transcripts: intron variant (1).
Genome position (GRCh38, 1-based): chr16:2,054,394, C>T. VCF-style: chr16-2054394-C-T. GRCh37 (hg19) VCF-style: chr16-2104395-C-T.
Other names: c.435C>T, p.Ala145= (NM_001077183.3, NM_001114382.3, NM_001363528.2 and 3 more transcripts); c.324C>T, p.Ala108= (NM_001318827.2); c.288C>T, p.Ala96= (NM_001318829.2); c.468C>T, p.Ala156= (NM_001318832.2); c.-1-1802C>T (NM_001318831.2).
Identifiers: ClinVar variation 1595919 (VCV001595919.12), dbSNP rs762200040, ClinGen allele CA050979.
Genomic context (GRCh38, chr16:2,054,394, plus strand): 5'-GGTCATCAAGGATTACCCTTCCAACGAAGACCTTCACGAAAGGCTGGAGGTTTTCAAGGC[C>T]CTCACAGACAATGGGAGACACATCACCTACTTGGAGGAAGAGCTGGGTGGGTGCCACCTT-3'
Protein context (NP_000539.2, residues 135-155): DLHERLEVFK[Ala145=]LTDNGRHITY

ClinVar aggregate classification (germline): Benign/Likely benign. Review status: criteria provided, multiple submitters, no conflicts (2 of 4 stars). 4 submissions from 4 submitters: Benign (1); Likely benign (3). Last evaluated 2025-05-05.

Conditions:
Hereditary cancer-predisposing syndrome. Also called: Hereditary Cancer Syndrome; Tumor predisposition; Neoplastic Syndromes, Hereditary; Hereditary neoplastic syndrome. Identifiers: Orphanet 140162, MedGen C0027672, MeSH D009386, MONDO:0015356.
Tuberous sclerosis syndrome (TSC). Also called: Tuberous Sclerosis Complex; Tuberous sclerosis. Identifiers: Orphanet 805, MedGen C0041341, MONDO:0001734.
Tuberous sclerosis 2 (TSC2). Identifiers: Orphanet 805, MedGen C1860707, MONDO:0013199, OMIM 613254.

Allele frequency attached by ClinVar (database versions not stated): gnomAD exomes below 0.00001; ExAC 0.00001.
gnomAD v4.1: 6 of 1,614,196 alleles (0.00037%); highest among the groups gnomAD compares: Middle Eastern, 0.016%; no homozygotes.

Submissions (4):

Myriad Genetics, Inc.
Classification: Benign for Tuberous sclerosis 2. Last evaluated: 2025-05-05. Review status: criteria provided, single submitter. Criteria: Myriad Autosomal Dominant, Autosomal Recessive and X-Linked Classification Criteria (2023). Collection method: clinical testing. Allele origin: unknown.
Comment: This variant is considered benign. This variant is a silent/synonymous amino acid change and it is not expected to impact splicing.

All of Us Research Program, National Institutes of Health
Classification: Likely benign for Tuberous sclerosis syndrome. Last evaluated: 2024-02-05. Review status: criteria provided, single submitter. Criteria: ACMG Guidelines, 2015. Collection method: clinical testing. Allele origin: germline. Inheritance: Autosomal dominant inheritance. Observed: 1 variant allele, 1 heterozygote.
Comment: This study involves interpretation of variants in research participants for the purpose of population health screening. Participant phenotype was not available at the time of variant classification. Additional details can be found in publication PMID: 35346344, PMCID: PMC8962531

Labcorp Genetics (formerly Invitae), Labcorp
Classification: Likely benign for Tuberous sclerosis 2. Last evaluated: 2023-08-02. Review status: criteria provided, single submitter. Criteria: Invitae Variant Classification Sherloc (09022015). Collection method: clinical testing. Allele origin: germline.

Ambry Genetics
Classification: Likely benign for Hereditary cancer-predisposing syndrome. Last evaluated: 2022-05-09. Review status: criteria provided, single submitter. Criteria: Ambry Variant Classification Scheme 2023. Collection method: clinical testing. Allele origin: germline.